The following is an entry in ClinVar:

NM_001127208.3(TET2):c.1598T>C (p.Met533Thr)

Genes: TET2 (tet methylcytosine dioxygenase 2; plus strand), TET2-AS1 (TET2 antisense RNA 1; minus strand). Cytogenetic location: 4q24.
Variant type: single nucleotide variant.
Coding change: c.1598T>C on transcript NM_001127208.3 (MANE Select); coding-DNA position 1598, T replaced by C.
Protein change: p.Met533Thr; replaces methionine 533 with threonine.
Molecular consequence: missense variant.
Genome position (GRCh38, 1-based): chr4:105,235,540, T>C. VCF-style: chr4-105235540-T-C. GRCh37 (hg19) VCF-style: chr4-106156697-T-C.
Other names: c.1598T>C, p.Met533Thr (NM_017628.4); short protein forms M533T.
Identifiers: ClinVar variation 1968086 (VCV001968086.2), dbSNP rs755137065, ClinGen allele CA3031715.
Genomic context (GRCh38, chr4:105,235,540, plus strand): 5'-AGCATAACCCACCAATTTTTGGTAGCAGTGGAGAGCTACAGGACAACTGCCAGCAGTTGA[T>C]GAGAAACAAAGAGCAAGAGATTCTGAAGGGTCGAGACAAGGAGCAAACACGAGATCTTGT-3'
Protein context (NP_001120680.1, residues 523-543): GELQDNCQQL[Met533Thr]RNKEQEILKG

ClinVar aggregate classification (germline): Uncertain significance (1 of 4 stars; one submission).

Allele frequency attached by ClinVar (database versions not stated): gnomAD 0.00002; gnomAD exomes 0.00002; TOPMed 0.00003; ExAC 0.00007.
gnomAD v4.1: 17 of 1,614,012 alleles (0.0011%); highest among the groups gnomAD compares: Admixed American, 0.017%; no homozygotes.

Submission:

Labcorp Genetics (formerly Invitae), Labcorp
Classification: Uncertain significance. Last evaluated: 2022-08-01. Review status: criteria provided, single submitter. Criteria: Invitae Variant Classification Sherloc (09022015). Collection method: clinical testing. Allele origin: germline.
Comment: This sequence change replaces methionine, which is neutral and non-polar, with threonine, which is neutral and polar, at codon 533 of the TET2 protein (p.Met533Thr). This variant is present in population databases (rs755137065, gnomAD 0.02%). This variant has not been reported in the literature in individuals affected with TET2-related conditions. Algorithms developed to predict the effect of missense changes on protein structure and function output the following: SIFT: "Tolerated"; PolyPhen-2: "Benign"; Align-GVGD: "Class C0". The threonine amino acid residue is found in multiple mammalian species, which suggests that this missense change does not adversely affect protein function. In summary, the available evidence is currently insufficient to determine the role of this variant in disease. Therefore, it has been classified as a Variant of Uncertain Significance.